The following is an entry in ClinVar:

ClinVar aggregate classification (germline): Pathogenic (1 of 4 stars; one submission).

Allele frequency attached by ClinVar (database versions not stated): gnomAD exomes below 0.00001.

Submission:

Labcorp Genetics (formerly Invitae), Labcorp
Classification: Pathogenic. Last evaluated: 2023-10-14. Review status: criteria provided, single submitter. Criteria: Invitae Variant Classification Sherloc (09022015). Collection method: clinical testing. Allele origin: germline.
Comment: This sequence change creates a premature translational stop signal (p.Gln449Lysfs*5) in the PLOD2 gene. It is expected to result in an absent or disrupted protein product. Loss-of-function variants in PLOD2 are known to be pathogenic (PMID: 22689593, 25238597, 29178448). This variant is present in population databases (no rsID available, gnomAD 0.003%). This variant has not been reported in the literature in individuals affected with PLOD2-related conditions. For these reasons, this variant has been classified as Pathogenic.

Literature cited by the submitters: PubMed 22689593; PubMed 25238597; PubMed 29178448.

NM_182943.3(PLOD2):c.1345del (p.Gln449fs)

Gene: PLOD2 (procollagen-lysine,2-oxoglutarate 5-dioxygenase 2; minus strand). Cytogenetic location: 3q24.
Variant type: Deletion.
Coding change: c.1345del on transcript NM_182943.3 (MANE Select); coding-DNA position 1345, one base deleted (C; older notation c.1345delC).
Protein change: p.Gln449fs; shifts the reading frame from glutamine 449.
Molecular consequence: frameshift variant.
Genome position (GRCh38, 1-based): chr3:146,081,751, G deleted on the plus strand (C on the coding strand, the reverse complement: PLOD2 is on the minus strand). VCF-style (leftmost placement, unchanged base first): chr3-146081750-TG-T. GRCh37 (hg19) VCF-style: chr3-145799537-TG-T.
Other names: c.1345del, p.Gln449fs (NM_000935.3); short protein forms Q449fs.
Identifiers: ClinVar variation 2781350 (VCV002781350.3), dbSNP rs1248502995, ClinGen allele CA546907452.
Genomic context (GRCh38, chr3:146,081,750, plus strand): 5'-CTTTAGATTATGGTATTTCACATTAAAATATTAAACCAAGTAACTTACACTCTATTCCCT[TG>T]AACAATATCCACATAATCTTCAGATCGTGCATAGTATCCATCAGGACTCAATGCTCCCCA-3'